The following is an entry in ClinVar:

NM_152564.5(VPS13B):c.2513_2514del (p.Ile838fs)

Gene: VPS13B (vacuolar protein sorting 13 homolog B; plus strand). Cytogenetic location: 8q22.2.
Variant type: Microsatellite.
Coding change: c.2513_2514del on transcript NM_152564.5 (MANE Select); coding-DNA positions 2513 to 2514, 2 bases deleted (TA; older notation c.2513_2514delTA).
Protein change: p.Ile838fs; shifts the reading frame from isoleucine 838.
Molecular consequence: frameshift variant.
Genome position (GRCh38, 1-based): chr8:99,193,055-99,193,056, TA deleted; deleting any 2 consecutive bases within chr8:99,193,053-99,193,056 gives the same sequence; the c. name uses the placement nearest the transcript's 3' end. VCF-style (leftmost placement, unchanged base first): chr8-99193052-GTA-G. GRCh37 (hg19) VCF-style: chr8-100205280-GTA-G.
Other names: c.2513_2514del, p.Ile838fs (NM_015243.3, NM_017890.5); short protein forms I838fs.
Identifiers: ClinVar variation 1451827 (VCV001451827.6), dbSNP rs2132728587, ClinGen allele CA2580617202.

ClinVar aggregate classification (germline): Pathogenic (1 of 4 stars; one submission).

Conditions:
Cohen syndrome (COH1). Also called: Cutis verticis gyrata, retinitis pigmentosa, and sensorineural deafness; PEPPER SYNDROME. Identifiers: Orphanet 193, MedGen C0265223, MONDO:0008999, OMIM 216550.

Submission:

Labcorp Genetics (formerly Invitae), Labcorp
Classification: Pathogenic for Cohen syndrome. Last evaluated: 2021-01-03. Review status: criteria provided, single submitter. Criteria: Invitae Variant Classification Sherloc (09022015). Collection method: clinical testing. Allele origin: germline.
Comment: For these reasons, this variant has been classified as Pathogenic. This variant has not been reported in the literature in individuals with VPS13B-related conditions. This variant is not present in population databases (ExAC no frequency). This sequence change creates a premature translational stop signal (p.Ile838Argfs*5) in the VPS13B gene. It is expected to result in an absent or disrupted protein product. Loss-of-function variants in VPS13B are known to be pathogenic (PMID: 15141358, 16648375, 20461111).

Literature cited by the submitters: PubMed 15141358; PubMed 16648375; PubMed 20461111.